The following is an entry in ClinVar:

NM_024422.6(DSC2):c.2398G>C (p.Ala800Pro)

Gene: DSC2 (desmocollin 2; minus strand). Cytogenetic location: 18q12.1.
Variant type: single nucleotide variant.
Coding change: c.2398G>C on transcript NM_024422.6 (MANE Select); coding-DNA position 2398, G replaced by C.
Protein change: p.Ala800Pro; replaces alanine 800 with proline.
Molecular consequence: missense variant.
Genome position (GRCh38, 1-based): chr18:31,069,004, C>G on the plus strand (G>C on the coding strand, the complement: DSC2 is on the minus strand). VCF-style: chr18-31069004-C-G. GRCh37 (hg19) VCF-style: chr18-28648970-C-G.
Other names: c.1969G>C, p.Ala657Pro (NM_001406506.1, NM_001406507.1); c.2398G>C, p.Ala800Pro (NM_004949.5); short protein forms A657P, A800P.
Identifiers: ClinVar variation 3672357 (VCV003672357.2).

ClinVar aggregate classification (germline): Uncertain significance (1 of 4 stars; one submission).

Conditions:
Arrhythmogenic right ventricular dysplasia 11. Also called: ARRHYTHMOGENIC RIGHT VENTRICULAR DYSPLASIA, FAMILIAL, 11; Arrhythmogenic Right Ventricular Dysplasia/Cardiomyopathy11; Arrhythmogenic right ventricular dysplasia 11 with mild palmoplantar keratoderma and woolly hair. Identifiers: MedGen C1864850, MONDO:0012506, OMIM 610476.

Submission:

Labcorp Genetics (formerly Invitae), Labcorp
Classification: Uncertain significance for Arrhythmogenic right ventricular dysplasia 11. Last evaluated: 2024-10-16. Review status: criteria provided, single submitter. Criteria: Invitae Variant Classification Sherloc (09022015). Collection method: clinical testing. Allele origin: germline.
Comment: This sequence change replaces alanine, which is neutral and non-polar, with proline, which is neutral and non-polar, at codon 800 of the DSC2 protein (p.Ala800Pro). This variant is not present in population databases (gnomAD no frequency). This variant has not been reported in the literature in individuals affected with DSC2-related conditions. Invitae Evidence Modeling of protein sequence and biophysical properties (such as structural, functional, and spatial information, amino acid conservation, physicochemical variation, residue mobility, and thermodynamic stability) indicates that this missense variant is not expected to disrupt DSC2 protein function with a negative predictive value of 80%. In summary, the available evidence is currently insufficient to determine the role of this variant in disease. Therefore, it has been classified as a Variant of Uncertain Significance.